The following is an entry in ClinVar:

ClinVar aggregate classification (germline): Uncertain significance (1 of 4 stars; one submission).

Submission:

Labcorp Genetics (formerly Invitae), Labcorp
Classification: Uncertain significance. Last evaluated: 2022-06-03. Review status: criteria provided, single submitter. Criteria: Invitae Variant Classification Sherloc (09022015). Collection method: clinical testing. Allele origin: germline.
Comment: In summary, the available evidence is currently insufficient to determine the role of this variant in disease. Therefore, it has been classified as a Variant of Uncertain Significance. Algorithms developed to predict the effect of missense changes on protein structure and function output the following: SIFT: "Tolerated"; PolyPhen-2: "Benign"; Align-GVGD: "Class C0". The glutamic acid amino acid residue is found in multiple mammalian species, which suggests that this missense change does not adversely affect protein function. This variant has not been reported in the literature in individuals affected with PCDH15-related conditions. This variant is not present in population databases (gnomAD no frequency). This sequence change replaces aspartic acid, which is acidic and polar, with glutamic acid, which is acidic and polar, at codon 1520 of the PCDH15 protein (p.Asp1520Glu).

NM_033056.4(PCDH15):c.4560T>A (p.Asp1520Glu)

Gene: PCDH15 (protocadherin related 15; minus strand). Cytogenetic location: 10q21.1.
Variant type: single nucleotide variant.
Coding change: c.4560T>A on transcript NM_033056.4 (MANE Plus Clinical); coding-DNA position 4560, T replaced by A.
Protein change: p.Asp1520Glu; replaces aspartic acid 1520 with glutamic acid.
Molecular consequence: missense variant. On other transcripts: intron variant (8).
Genome position (GRCh38, 1-based): chr10:53,823,166, A>T on the plus strand (T>A on the coding strand, the complement: PCDH15 is on the minus strand). VCF-style: chr10-53823166-A-T. GRCh37 (hg19) VCF-style: chr10-55582926-A-T.
Other names: c.4581T>A, p.Asp1527Glu (NM_001142763.2); c.4566T>A, p.Asp1522Glu (NM_001142764.2); c.4353T>A, p.Asp1451Glu (NM_001142765.2); c.4551T>A, p.Asp1517Glu (NM_001142766.2); c.4440T>A, p.Asp1480Glu (NM_001142767.2); c.4500T>A, p.Asp1500Glu (NM_001142768.2); c.4491T>A, p.Asp1497Glu (NM_001142773.2); c.4494T>A, p.Asp1498Glu (NM_001354404.2); and 6 more; short protein forms D1451E, D1480E, D1497E, D1498E, D1500E, D1517E, D1520E, D1522E.
Identifiers: ClinVar variation 2415105 (VCV002415105.4), dbSNP rs1588940483, ClinGen allele CA376527070.